The following is an entry in ClinVar:

NM_002334.4(LRP4):c.898G>A (p.Asp300Asn)

Gene: LRP4 (LDL receptor related protein 4; minus strand). Cytogenetic location: 11p11.2.
Variant type: single nucleotide variant.
Coding change: c.898G>A on transcript NM_002334.4 (MANE Select); coding-DNA position 898, G replaced by A.
Protein change: p.Asp300Asn; replaces aspartic acid 300 with asparagine.
Molecular consequence: missense variant.
Genome position (GRCh38, 1-based): chr11:46,896,893, C>T on the plus strand (G>A on the coding strand, the complement: LRP4 is on the minus strand). VCF-style: chr11-46896893-C-T. GRCh37 (hg19) VCF-style: chr11-46918444-C-T.
Other names: short protein forms D300N.
Identifiers: ClinVar variation 2937965 (VCV002937965.3), dbSNP rs1941543653, ClinGen allele CA380287855.

ClinVar aggregate classification (germline): Likely pathogenic (1 of 4 stars; one submission).

Conditions:
Cenani-Lenz syndactyly syndrome. Also called: SYNDACTYLY, TYPE VII; CENANI SYNDACTYLISM. Identifiers: Orphanet 3258, MedGen C1859309, MONDO:0008931, OMIM 212780.
Sclerosteosis 2 (SOST2). Identifiers: Orphanet 3152, MedGen C3280402, MONDO:0013679, OMIM 614305.
Congenital myasthenic syndrome 17. Identifiers: Orphanet 590, MedGen C4225377, MONDO:0014578, OMIM 616304.

gnomAD v4.1: 1 of 1,614,222 alleles (0.000062%); highest among the groups gnomAD compares: Non-Finnish European, 0.000085%; no homozygotes.

Submission:

Labcorp Genetics (formerly Invitae), Labcorp
Classification: Likely pathogenic for Cenani-Lenz syndactyly syndrome; Sclerosteosis 2; Congenital myasthenic syndrome 17. Last evaluated: 2023-04-25. Review status: criteria provided, single submitter. Criteria: Invitae Variant Classification Sherloc (09022015). Collection method: clinical testing. Allele origin: germline.
Comment: In summary, the currently available evidence indicates that the variant is pathogenic, but additional data are needed to prove that conclusively. Therefore, this variant has been classified as Likely Pathogenic. Advanced modeling of protein sequence and biophysical properties (such as structural, functional, and spatial information, amino acid conservation, physicochemical variation, residue mobility, and thermodynamic stability) performed at Invitae indicates that this missense variant is expected to disrupt LRP4 protein function. This missense change has been observed in individual(s) with LRP4-related conditions (Invitae). In at least one individual the data is consistent with being in trans (on the opposite chromosome) from a pathogenic variant. This variant is not present in population databases (gnomAD no frequency). This sequence change replaces aspartic acid, which is acidic and polar, with asparagine, which is neutral and polar, at codon 300 of the LRP4 protein (p.Asp300Asn).